The following is an entry in ClinVar:

ClinVar aggregate classification (germline): Uncertain significance. Review status: criteria provided, multiple submitters, no conflicts (2 of 4 stars). 3 submissions from 3 submitters: Uncertain significance (3). Last evaluated 2025-09-21.

Conditions:
Familial thoracic aortic aneurysm and aortic dissection (TAAD). Also called: Thoracic aortic aneurysms and dissections. Identifiers: Orphanet 91387, MedGen C4707243, MONDO:0019625.
Adams-Oliver syndrome 5 (AOS5). Identifiers: Orphanet 974, MedGen C4014970, MONDO:0014459, OMIM 616028.

Allele frequency attached by ClinVar (database versions not stated): gnomAD 0.00001; gnomAD exomes 0.00001; TOPMed 0.00001.
gnomAD v4.1: 8 of 1,609,910 alleles (0.0005%); highest among the groups gnomAD compares: Non-Finnish European, 0.00068%; no homozygotes.

Submissions (3):

Ambry Genetics
Classification: Uncertain significance for Familial thoracic aortic aneurysm and aortic dissection. Last evaluated: 2025-09-21. Review status: criteria provided, single submitter. Criteria: Ambry Variant Classification Scheme 2023. Collection method: clinical testing. Allele origin: germline.
Comment: The p.V1745A variant (also known as c.5234T>C), located in coding exon 28 of the NOTCH1 gene, results from a T to C substitution at nucleotide position 5234. The valine at codon 1745 is replaced by alanine, an amino acid with similar properties. This amino acid position is conserved. In addition, this alteration is predicted to be tolerated by in silico analysis. Since supporting evidence is limited at this time, the clinical significance of this alteration remains unclear.

Labcorp Genetics (formerly Invitae), Labcorp
Classification: Uncertain significance for Adams-Oliver syndrome 5. Last evaluated: 2024-09-03. Review status: criteria provided, single submitter. Criteria: Invitae Variant Classification Sherloc (09022015). Collection method: clinical testing. Allele origin: germline.
Comment: This sequence change replaces valine, which is neutral and non-polar, with alanine, which is neutral and non-polar, at codon 1745 of the NOTCH1 protein (p.Val1745Ala). This variant is not present in population databases (gnomAD no frequency). This variant has not been reported in the literature in individuals affected with NOTCH1-related conditions. ClinVar contains an entry for this variant (Variation ID: 1420187). Invitae Evidence Modeling of protein sequence and biophysical properties (such as structural, functional, and spatial information, amino acid conservation, physicochemical variation, residue mobility, and thermodynamic stability) indicates that this missense variant is not expected to disrupt NOTCH1 protein function with a negative predictive value of 80%. In summary, the available evidence is currently insufficient to determine the role of this variant in disease. Therefore, it has been classified as a Variant of Uncertain Significance.

Revvity Omics, Revvity
Classification: Uncertain significance. Last evaluated: 2022-07-22. Review status: criteria provided, single submitter. Criteria: ACMG Guidelines, 2015. Collection method: clinical testing. Allele origin: germline.

NM_017617.5(NOTCH1):c.5234T>C (p.Val1745Ala)

Gene: NOTCH1 (notch receptor 1; minus strand). Cytogenetic location: 9q34.3.
Variant type: single nucleotide variant.
Coding change: c.5234T>C on transcript NM_017617.5 (MANE Select); coding-DNA position 5234, T replaced by C.
Protein change: p.Val1745Ala; replaces valine 1745 with alanine.
Molecular consequence: missense variant.
Genome position (GRCh38, 1-based): chr9:136,502,422, A>G on the plus strand (T>C on the coding strand, the complement: NOTCH1 is on the minus strand). VCF-style: chr9-136502422-A-G. GRCh37 (hg19) VCF-style: chr9-139396874-A-G.
Other names: c.5234T>C (NM_017617.3); short protein forms V1745A.
Identifiers: ClinVar variation 1420187 (VCV001420187.12), dbSNP rs1843012616, ClinGen allele CA375640919.